The following is an entry in ClinVar:

NM_020381.4(PDSS2):c.4A>C (p.Asn2His)

Gene: PDSS2 (decaprenyl diphosphate synthase subunit 2; minus strand). Cytogenetic location: 6q21.
Variant type: single nucleotide variant.
Coding change: c.4A>C on transcript NM_020381.4 (MANE Select); coding-DNA position 4, A replaced by C.
Protein change: p.Asn2His; replaces asparagine 2 with histidine.
Molecular consequence: missense variant.
Genome position (GRCh38, 1-based): chr6:107,459,282, T>G on the plus strand (A>C on the coding strand, the complement: PDSS2 is on the minus strand). VCF-style: chr6-107459282-T-G. GRCh37 (hg19) VCF-style: chr6-107780486-T-G.
Other names: p.Asn2His; short protein forms N2H.
Identifiers: ClinVar variation 729152 (VCV000729152.15), dbSNP rs141282833, ClinGen allele CA3946210.

ClinVar aggregate classification (germline): Likely benign. Review status: criteria provided, multiple submitters, no conflicts (2 of 4 stars). 5 submissions from 5 submitters: Likely benign (4). 1 of the submissions does not count toward it. Last evaluated 2026-01-04.

Conditions:
PDSS2-related disorder. Also called: PDSS2-related condition.

Allele frequency attached by ClinVar (database versions not stated): gnomAD exomes 0.00008 and 0.00023; 1000 Genomes Project 0.00020; ExAC 0.00024; 1000 Genomes Project 30x 0.00031; ESP Exome Variant Server 0.00077; gnomAD 0.00095 and 0.00100; TOPMed 0.00099.
gnomAD v4.1: 264 of 1,613,870 alleles (0.016%); highest among the groups gnomAD compares: African/African-American, 0.33%; no homozygotes.

Submissions (5):

Labcorp Genetics (formerly Invitae), Labcorp
Classification: Likely benign. Last evaluated: 2026-01-04. Review status: criteria provided, single submitter. Criteria: Invitae Variant Classification Sherloc (09022015). Collection method: clinical testing. Allele origin: germline.

Mayo Clinic Laboratories, Mayo Clinic
Classification: Likely benign. Last evaluated: 2025-05-29. Review status: criteria provided, single submitter. Criteria: ACMG Guidelines, 2015. Collection method: clinical testing. Allele origin: germline. Observed: 2 variant alleles.
Comment: BS1, BP4_moderate

Blueprint Genetics
Classification: Likely benign. Last evaluated: 2024-03-09. Review status: criteria provided, single submitter. Criteria: ACMG Guidelines, 2015. Collection method: clinical testing. Allele origin: germline.

GeneDx
Classification: Likely benign. Last evaluated: 2021-04-01. Review status: criteria provided, single submitter. Criteria: GeneDx Variant Classification Process June 2021. Collection method: clinical testing. Allele origin: germline. Affected: yes.

PreventionGenetics, part of Exact Sciences
Classification: Likely benign for PDSS2-related condition. Last evaluated: 2021-04-21. Review status: no assertion criteria provided. Collection method: clinical testing. Allele origin: germline. Not counted in ClinVar's aggregate classification.
Comment: This variant is classified as likely benign based on ACMG/AMP sequence variant interpretation guidelines (Richards et al. 2015 PMID: 25741868, with internal and published modifications).